The following is an entry in ClinVar:

NM_002474.3(MYH11):c.2860-224T>C

Gene: MYH11 (myosin heavy chain 11; minus strand). Cytogenetic location: 16p13.11.
Variant type: single nucleotide variant.
Coding change: c.2860-224T>C on transcript NM_002474.3 (MANE Select); 224 bases into the intron before coding-DNA position 2860, T replaced by C.
Molecular consequence: intron variant.
Genome position (GRCh38, 1-based): chr16:15,740,412, A>G on the plus strand (T>C on the coding strand, the complement: MYH11 is on the minus strand). VCF-style: chr16-15740412-A-G. GRCh37 (hg19) VCF-style: chr16-15834269-A-G.
Other names: c.2860-224T>C (NM_022844.3); c.2881-224T>C (NM_001040114.2, NM_001040113.2).
Identifiers: ClinVar variation 679885 (VCV000679885.1), dbSNP rs140780921, ClinGen allele CA278626114.

ClinVar aggregate classification (germline): Likely benign (1 of 4 stars; one submission).

Allele frequency attached by ClinVar (database versions not stated): gnomAD 0.01299 and 0.01382; TOPMed 0.01435; 1000 Genomes Project 0.01637; 1000 Genomes Project 30x 0.01640.
gnomAD v4.1: 1,958 of 152,088 alleles (1.3%); highest among the groups gnomAD compares: African/African-American, 4.5%; 50 homozygotes.

Submission:

GeneDx
Classification: Likely benign. Last evaluated: 2018-06-16. Review status: criteria provided, single submitter. Criteria: GeneDx Variant Classification (06012015). Collection method: clinical testing. Allele origin: germline. Affected: yes.
Comment: This variant is considered likely benign or benign based on one or more of the following criteria: it is a conservative change, it occurs at a poorly conserved position in the protein, it is predicted to be benign by multiple in silico algorithms, and/or has population frequency not consistent with disease.